The following is an entry in ClinVar:

NM_022168.4(IFIH1):c.2045-1G>T

Gene: IFIH1 (interferon induced with helicase C domain 1; minus strand). Cytogenetic location: 2q24.2.
Variant type: single nucleotide variant.
Coding change: c.2045-1G>T on transcript NM_022168.4 (MANE Select); the canonical splice acceptor site of the intron before coding-DNA position 2045, G replaced by T.
Molecular consequence: splice acceptor variant.
Genome position (GRCh38, 1-based): chr2:162,276,947, C>A on the plus strand (G>T on the coding strand, the complement: IFIH1 is on the minus strand). VCF-style: chr2-162276947-C-A. GRCh37 (hg19) VCF-style: chr2-163133457-C-A.
Identifiers: ClinVar variation 1442100 (VCV001442100.10), dbSNP rs748813106, ClinGen allele CA348998134.

ClinVar aggregate classification (germline): Uncertain significance. Review status: criteria provided, multiple submitters, no conflicts (2 of 4 stars). 3 submissions from 3 submitters: Uncertain significance (3). Last evaluated 2023-03-16.

Conditions:
Immunodeficiency 95 (IMD95). Identifiers: MedGen C5676929, MONDO:0030692, OMIM 619773.
Singleton-Merten syndrome 1 (SGMRT1). Also called: Widened medullary cavities of bone, aortic calcification, abnormal dentition, and muscular weakness; Syndrome of widened medullary cavities of the metacarpals and phalanges, aortic calcification and abnormal dentition. Identifiers: Orphanet 85191, MedGen C4225427, MONDO:0024535, OMIM 182250.
Aicardi-Goutieres syndrome 7 (AGS7). Identifiers: Orphanet 51, MedGen C3888244, MONDO:0014367, OMIM 615846.

gnomAD v4.1: 5 of 1,591,566 alleles (0.00031%); highest among the groups gnomAD compares: African/African-American, 0.0055%; no homozygotes.

Submissions (3):

GeneDx
Classification: Uncertain significance. Last evaluated: 2023-03-16. Review status: criteria provided, single submitter. Criteria: GeneDx Variant Classification Process June 2021. Collection method: clinical testing. Allele origin: germline. Affected: yes.
Comment: Not observed at significant frequency in large population cohorts (gnomAD); Has not been previously published as pathogenic or benign to our knowledge; Canonical splice site variant in a gene for which loss of function is not a known mechanism of disease

Fulgent Genetics
Classification: Uncertain significance for Singleton-Merten syndrome 1; Aicardi-Goutieres syndrome 7; Immunodeficiency 95. Last evaluated: 2022-04-21. Review status: criteria provided, single submitter. Criteria: ACMG Guidelines, 2015. Collection method: clinical testing. Allele origin: unknown.

Labcorp Genetics (formerly Invitae), Labcorp
Classification: Uncertain significance for Aicardi-Goutieres syndrome 7; Singleton-Merten syndrome 1. Last evaluated: 2022-01-15. Review status: criteria provided, single submitter. Criteria: Invitae Variant Classification Sherloc (09022015). Collection method: clinical testing. Allele origin: germline.
Comment: In summary, the available evidence is currently insufficient to determine the role of this variant in disease. Therefore, it has been classified as a Variant of Uncertain Significance. Algorithms developed to predict the effect of sequence changes on RNA splicing suggest that this variant may disrupt the consensus splice site. This variant has not been reported in the literature in individuals affected with IFIH1-related conditions. This variant is not present in population databases (gnomAD no frequency). This sequence change affects an acceptor splice site in intron 10 of the IFIH1 gene. It is expected to disrupt RNA splicing. Variants that disrupt the donor or acceptor splice site typically lead to a loss of protein function (PMID: 16199547), however the current clinical and genetic evidence is not sufficient to establish whether loss-of-function variants in IFIH1 cause disease.

Literature cited by the submitters: PubMed 16199547 (cited by Labcorp Genetics (formerly Invitae), Labcorp).